The following is an entry in ClinVar:

NM_006206.6(PDGFRA):c.2399A>G (p.Tyr800Cys)

Gene: PDGFRA (platelet derived growth factor receptor alpha; plus strand). Cytogenetic location: 4q12.
Variant type: single nucleotide variant.
Coding change: c.2399A>G on transcript NM_006206.6 (MANE Select); coding-DNA position 2399, A replaced by G.
Protein change: p.Tyr800Cys; replaces tyrosine 800 with cysteine.
Molecular consequence: missense variant.
Genome position (GRCh38, 1-based): chr4:54,285,446, A>G. VCF-style: chr4-54285446-A-G. GRCh37 (hg19) VCF-style: chr4-55151613-A-G.
Other names: c.2474A>G, p.Tyr825Cys (NM_001347828.2); c.2399A>G, p.Tyr800Cys (NM_001347829.2); c.2438A>G, p.Tyr813Cys (NM_001347830.2); short protein forms Y813C, Y800C, Y825C.
Identifiers: ClinVar variation 1042237 (VCV001042237.9), dbSNP rs1724304854, ClinGen allele CA356894743.

ClinVar aggregate classification (germline): Uncertain significance (1 of 4 stars; one submission).

Conditions:
Gastrointestinal stromal tumor. Also called: Gastrointestinal stromal tumor, somatic; Gastrointestinal stroma tumor. Identifiers: Orphanet 44890, MedGen C0238198, MeSH D046152, MONDO:0011719, OMIM 606764, HP:0100723.

Submission:

Labcorp Genetics (formerly Invitae), Labcorp
Classification: Uncertain significance for Gastrointestinal stromal tumor. Last evaluated: 2020-03-22. Review status: criteria provided, single submitter. Criteria: Invitae Variant Classification Sherloc (09022015). Collection method: clinical testing. Allele origin: germline.
Comment: Algorithms developed to predict the effect of missense changes on protein structure and function (SIFT, PolyPhen-2, Align-GVGD) all suggest that this variant is likely to be disruptive, but these predictions have not been confirmed by published functional studies and their clinical significance is uncertain. This sequence change replaces tyrosine with cysteine at codon 800 of the PDGFRA protein (p.Tyr800Cys). The tyrosine residue is highly conserved and there is a large physicochemical difference between tyrosine and cysteine. This variant is not present in population databases (ExAC no frequency). This variant has not been reported in the literature in individuals with PDGFRA-related conditions. In summary, the available evidence is currently insufficient to determine the role of this variant in disease. Therefore, it has been classified as a Variant of Uncertain Significance.